The following is an entry in ClinVar:

NM_004068.4(AP2M1):c.1023G>A (p.Lys341=)

Gene: AP2M1 (adaptor related protein complex 2 subunit mu 1; plus strand). Cytogenetic location: 3q27.1.
Variant type: single nucleotide variant.
Coding change: c.1023G>A on transcript NM_004068.4 (MANE Select); coding-DNA position 1023, G replaced by A.
Protein change: p.Lys341=; no amino-acid change (lysine 341 retained).
Molecular consequence: synonymous variant.
Genome position (GRCh38, 1-based): chr3:184,182,210, G>A. VCF-style: chr3-184182210-G-A. GRCh37 (hg19) VCF-style: chr3-183899998-G-A.
Other names: c.1017G>A, p.Lys339= (NM_001025205.2); c.1098G>A, p.Lys366= (NM_001311198.2).
Identifiers: ClinVar variation 1581806 (VCV001581806.27), dbSNP rs189182155, ClinGen allele CA2727857.

ClinVar aggregate classification (germline): Likely benign. Review status: criteria provided, multiple submitters, no conflicts (2 of 4 stars). 2 submissions from 2 submitters: Likely benign (2). Last evaluated 2025-10-04.

Allele frequency attached by ClinVar (database versions not stated): gnomAD 0.00002; gnomAD exomes 0.00003 and 0.00012; TOPMed 0.00003; ExAC 0.00011; 1000 Genomes Project 30x 0.00031; 1000 Genomes Project 0.00040.
gnomAD v4.1: 49 of 1,614,184 alleles (0.003%); highest among the groups gnomAD compares: East Asian, 0.085%; no homozygotes.

Submissions (2):

Labcorp Genetics (formerly Invitae), Labcorp
Classification: Likely benign. Last evaluated: 2025-10-04. Review status: criteria provided, single submitter. Criteria: Invitae Variant Classification Sherloc (09022015). Collection method: clinical testing. Allele origin: germline.

CeGaT Center for Human Genetics Tuebingen
Classification: Likely benign. Last evaluated: 2024-05-01. Review status: criteria provided, single submitter. Criteria: CeGaT Center For Human Genetics Tuebingen Variant Classification Criteria Version 2. Collection method: clinical testing. Allele origin: germline. Affected: yes. Observed: 1 variant allele.
Comment: AP2M1: BP4, BP7